The following is an entry in ClinVar:

NM_001082538.3(TCTN1):c.672G>A (p.Ser224=)

Gene: TCTN1 (tectonic family member 1; plus strand). Cytogenetic location: 12q24.11.
Variant type: single nucleotide variant.
Coding change: c.672G>A on transcript NM_001082538.3 (MANE Select); coding-DNA position 672, G replaced by A.
Protein change: p.Ser224=; no amino-acid change (serine 224 retained).
Molecular consequence: synonymous variant. On other transcripts: non-coding transcript variant (1).
Genome position (GRCh38, 1-based): chr12:110,632,519, G>A. VCF-style: chr12-110632519-G-A. GRCh37 (hg19) VCF-style: chr12-111070324-G-A.
Other names: c.672G>A, p.Ser224= (NM_001082537.3, NM_001319680.2, NM_024549.6); c.504G>A, p.Ser168= (NM_001173975.3); c.492G>A, p.Ser164= (NM_001173976.2); c.138G>A, p.Ser46= (NM_001319681.2).
Identifiers: ClinVar variation 696538 (VCV000696538.17), dbSNP rs763386832, ClinGen allele CA6786664.
Genomic context (GRCh38, chr12:110,632,519, plus strand): 5'-GTTGTGTTTGCAGTATGGGGTTCCTCTGCAGACTTCAGATTCGTTTCTGAGATTTCCTTC[G>A]TCCCTGACATCATCTCTGTGCACTGATAATAACCCTGCAGGTAAGAAAGTGGTCATTCTT-3'
Protein context (NP_001076007.1, residues 214-234): QTSDSFLRFP[Ser224=]SLTSSLCTDN

ClinVar aggregate classification (germline): Likely benign. Review status: criteria provided, multiple submitters, no conflicts (2 of 4 stars). 4 submissions from 4 submitters: Likely benign (4). Last evaluated 2026-05-01.

Conditions:
Meckel-Gruber syndrome. Also called: Dysencephalia splachnocystica; GRUBER SYNDROME; DYSENCEPHALIA SPLANCHNOCYSTICA. Identifiers: Orphanet 564, MedGen C0265215, MONDO:0018921.
Joubert syndrome. Also called: Familial aplasia of the vermis; JOUBERT-BOLTSHAUSER SYNDROME. Identifiers: Orphanet 475, MedGen C5979921, MONDO:0018772.

Allele frequency attached by ClinVar (database versions not stated): gnomAD 0.00006; TOPMed 0.00020; ExAC 0.00022.
gnomAD v4.1: 141 of 1,613,862 alleles (0.0087%); highest among the groups gnomAD compares: Admixed American, 0.19%; no homozygotes.

Submissions (4):

CeGaT Center for Human Genetics Tuebingen
Classification: Likely benign. Last evaluated: 2026-05-01. Review status: criteria provided, single submitter. Criteria: CeGaT Center For Human Genetics Tuebingen Variant Classification Criteria Version 2. Collection method: clinical testing. Allele origin: germline. Affected: yes. Observed: 1 variant allele.
Comment: TCTN1: BP4, BP7

Labcorp Genetics (formerly Invitae), Labcorp
Classification: Likely benign for Joubert syndrome; Meckel-Gruber syndrome. Last evaluated: 2026-01-13. Review status: criteria provided, single submitter. Criteria: Invitae Variant Classification Sherloc (09022015). Collection method: clinical testing. Allele origin: germline.

Blueprint Genetics
Classification: Likely benign. Last evaluated: 2024-09-21. Review status: criteria provided, single submitter. Criteria: ACMG Guidelines, 2015. Collection method: clinical testing. Allele origin: germline.

GeneDx
Classification: Likely benign. Last evaluated: 2020-05-27. Review status: criteria provided, single submitter. Criteria: GeneDx Variant Classification Process June 2021. Collection method: clinical testing. Allele origin: germline. Affected: yes.